The following is an entry in ClinVar:

ClinVar aggregate classification (germline): Uncertain significance (1 of 4 stars; one submission).

Submission:

Labcorp Genetics (formerly Invitae), Labcorp
Classification: Uncertain significance. Last evaluated: 2022-03-28. Review status: criteria provided, single submitter. Criteria: Invitae Variant Classification Sherloc (09022015). Collection method: clinical testing. Allele origin: germline.
Comment: This sequence change replaces phenylalanine, which is neutral and non-polar, with serine, which is neutral and polar, at codon 80 of the PHEX protein (p.Phe80Ser). This variant is not present in population databases (gnomAD no frequency). This missense change has been observed in individual(s) with hypophosphataemic rickets (PMID: 10439971). This variant is also known as T242C (F805). Advanced modeling of protein sequence and biophysical properties (such as structural, functional, and spatial information, amino acid conservation, physicochemical variation, residue mobility, and thermodynamic stability) performed at Invitae indicates that this missense variant is expected to disrupt PHEX protein function. Experimental studies have shown that this missense change affects PHEX function (PMID: 17710565). In summary, the available evidence is currently insufficient to determine the role of this variant in disease. Therefore, it has been classified as a Variant of Uncertain Significance.

Literature cited by the submitters: PubMed 10439971; PubMed 17710565.

NM_000444.6(PHEX):c.239T>C (p.Phe80Ser)

Gene: PHEX (phosphate regulating endopeptidase X-linked; plus strand). Cytogenetic location: Xp22.11.
Variant type: single nucleotide variant.
Coding change: c.239T>C on transcript NM_000444.6 (MANE Select); coding-DNA position 239, T replaced by C.
Protein change: p.Phe80Ser; replaces phenylalanine 80 with serine.
Molecular consequence: missense variant.
Genome position (GRCh38, 1-based): chrX:22,047,101, T>C. VCF-style: chrX-22047101-T-C. GRCh37 (hg19) VCF-style: chrX-22065219-T-C.
Other names: c.239T>C, p.Phe80Ser (NM_001282754.2); short protein forms F80S.
Identifiers: ClinVar variation 2138489 (VCV002138489.4), dbSNP rs2519722298, ClinGen allele CA412567601.
Genomic context (GRCh38, chrX:22,047,101, plus strand): 5'-TCTAAATAGCTGCTGCCATCTTAAGTAAAGTAAATCTGTCTGTGGATCCTTGTGATAATT[T>C]CTTCCGGTTCGCTTGTGATGGCTGGATAAGCAATAATCCAATTCCCGAAGATATGCCAAG-3'
Protein context (NP_000435.3, residues 70-90): VNLSVDPCDN[Phe80Ser]FRFACDGWIS